The following is an entry in ClinVar:

NM_000321.3(RB1):c.2040C>A (p.Ile680=)

Gene: RB1 (RB transcriptional corepressor 1; plus strand). Cytogenetic location: 13q14.2.
Variant type: single nucleotide variant.
Coding change: c.2040C>A on transcript NM_000321.3 (MANE Select); coding-DNA position 2040, C replaced by A.
Protein change: p.Ile680=; no amino-acid change (isoleucine 680 retained).
Molecular consequence: synonymous variant.
Genome position (GRCh38, 1-based): chr13:48,459,767, C>A. VCF-style: chr13-48459767-C-A. GRCh37 (hg19) VCF-style: chr13-49033903-C-A.
Identifiers: ClinVar variation 706103 (VCV000706103.15), dbSNP rs1593534695, ClinGen allele CA483559025.

ClinVar aggregate classification (germline): Likely benign. Review status: criteria provided, multiple submitters, no conflicts (2 of 4 stars). 4 submissions from 4 submitters: Likely benign (4). Last evaluated 2025-10-18.

Conditions:
Retinoblastoma (RB1). Also called: RETINOBLASTOMA, SOMATIC. Identifiers: Orphanet 790, MedGen C0035335, MeSH D012175, MONDO:0008380, OMIM 180200, HP:0009919. Disease mechanism: loss of function. Inheritance: Both sporadic and heritable forms are tested..
Hereditary cancer-predisposing syndrome. Also called: Neoplastic Syndromes, Hereditary; Tumor predisposition; Hereditary Cancer Syndrome; Hereditary neoplastic syndrome. Identifiers: Orphanet 140162, MedGen C0027672, MeSH D009386, MONDO:0015356.
RB1-related disorder. Also called: RB1-related condition.

Submissions (4):

Labcorp Genetics (formerly Invitae), Labcorp
Classification: Likely benign for Retinoblastoma. Last evaluated: 2025-10-18. Review status: criteria provided, single submitter. Criteria: Invitae Variant Classification Sherloc (09022015). Collection method: clinical testing. Allele origin: germline.

PreventionGenetics, part of Exact Sciences
Classification: Likely benign for RB1-related condition. Last evaluated: 2025-08-07. Review status: criteria provided, single submitter. Criteria: ACMG Guidelines, 2015. Collection method: clinical testing. Allele origin: germline.
Comment: This variant is classified as likely benign based on ACMG/AMP sequence variant interpretation guidelines (Richards et al. 2015 PMID: 25741868, with internal and published modifications).

Color Diagnostics, LLC DBA Color Health
Classification: Likely benign for Retinoblastoma. Last evaluated: 2022-05-02. Review status: criteria provided, single submitter. Criteria: ACMG Guidelines, 2015. Collection method: clinical testing. Allele origin: germline.

Ambry Genetics
Classification: Likely benign for Hereditary cancer-predisposing syndrome. Last evaluated: 2018-03-26. Review status: criteria provided, single submitter. Criteria: Ambry Variant Classification Scheme 2023. Collection method: clinical testing. Allele origin: germline.